The following is an entry in ClinVar:

ClinVar aggregate classification (germline): Conflicting classifications of pathogenicity. Review status: criteria provided, conflicting classifications (1 of 4 stars). 10 submissions from 10 submitters: Uncertain significance (1); Benign (1); Likely benign (6). 2 of the submissions do not count toward it. Last evaluated 2026-04-01.

Conditions:
Joubert syndrome 14 (JBTS14). Identifiers: MedGen C3280766, MONDO:0013745, OMIM 614424.

Allele frequency attached by ClinVar (database versions not stated): 1000 Genomes Project 30x 0.00094; 1000 Genomes Project 0.00100; gnomAD 0.00160 and 0.00163; TOPMed 0.00173; ESP Exome Variant Server 0.00275; ExAC 0.00315.
gnomAD v4.1: 4,694 of 1,595,414 alleles (0.29%); highest among the groups gnomAD compares: Non-Finnish European, 0.37%; 13 homozygotes.

Submissions (10):

CeGaT Center for Human Genetics Tuebingen
Classification: Likely benign. Last evaluated: 2026-04-01. Review status: criteria provided, single submitter. Criteria: CeGaT Center For Human Genetics Tuebingen Variant Classification Criteria Version 2. Collection method: clinical testing. Allele origin: germline. Affected: yes. Observed: 13 variant alleles.
Comment: TMEM237: BP4, BP7, BS2

Labcorp Genetics (formerly Invitae), Labcorp
Classification: Benign for Joubert syndrome 14. Last evaluated: 2026-01-28. Review status: criteria provided, single submitter. Criteria: Invitae Variant Classification Sherloc (09022015). Collection method: clinical testing. Allele origin: germline.

Blueprint Genetics
Classification: Likely benign. Last evaluated: 2024-11-23. Review status: criteria provided, single submitter. Criteria: ACMG Guidelines, 2015. Collection method: clinical testing. Allele origin: germline.

GeneDx
Classification: Likely benign. Last evaluated: 2020-09-27. Review status: criteria provided, single submitter. Criteria: GeneDx Variant Classification Process June 2021. Collection method: clinical testing. Allele origin: germline. Affected: yes.

Illumina Laboratory Services, Illumina
Classification: Uncertain significance for Joubert syndrome 14. Last evaluated: 2018-01-13. Review status: criteria provided, single submitter. Criteria: ICSL Variant Classification Criteria 13 December 2019. Collection method: clinical testing. Allele origin: germline.

Clinical Genetics DNA and cytogenetics Diagnostics Lab, Erasmus MC, Erasmus Medical Center
Classification: Likely benign for Joubert syndrome 14. Last evaluated: 2015-09-21. Review status: criteria provided, single submitter. Criteria: ACGS Guidelines, 2013. Collection method: clinical testing. Allele origin: germline. Affected: yes. Study: VKGL Data-share Consensus.

Eurofins Ntd Llc (ga)
Classification: Likely benign. Last evaluated: 2015-02-17. Review status: criteria provided, single submitter. Criteria: EGL Classification Definitions 2015. Collection method: clinical testing. Allele origin: germline. Observed: 1 variant allele, 1 heterozygote.

PreventionGenetics, part of Exact Sciences
Classification: Likely benign. Review status: criteria provided, single submitter. Criteria: ACMG Guidelines, 2015. Collection method: clinical testing. Allele origin: germline.

Clinical Genetics, Academic Medical Center
Classification: Likely benign. Review status: no assertion criteria provided. Collection method: clinical testing. Allele origin: germline. Affected: yes. Study: VKGL Data-share Consensus. Not counted in ClinVar's aggregate classification.

Genome Diagnostics Laboratory, University Medical Center Utrecht
Classification: Likely benign. Review status: no assertion criteria provided. Collection method: clinical testing. Allele origin: germline. Affected: yes. Study: VKGL Data-share Consensus. Not counted in ClinVar's aggregate classification.

NM_001044385.3(TMEM237):c.348G>A (p.Ala116=)

Gene: TMEM237 (transmembrane protein 237; minus strand). Cytogenetic location: 2q33.1.
Variant type: single nucleotide variant.
Coding change: c.348G>A on transcript NM_001044385.3 (MANE Select); coding-DNA position 348, G replaced by A.
Protein change: p.Ala116=; no amino-acid change (alanine 116 retained).
Molecular consequence: synonymous variant.
Genome position (GRCh38, 1-based): chr2:201,633,358, C>T on the plus strand (G>A on the coding strand, the complement: TMEM237 is on the minus strand). VCF-style: chr2-201633358-C-T. GRCh37 (hg19) VCF-style: chr2-202498081-C-T.
Other names: c.324G>A, p.Ala108= (NM_152388.4).
Identifiers: ClinVar variation 198116 (VCV000198116.50), dbSNP rs191125006, ClinGen allele CA203261.